The following is an entry in ClinVar:

NM_001267550.2(TTN):c.74938G>T (p.Glu24980Ter)

Genes: TTN-AS1 (TTN antisense RNA 1; plus strand), TTN (titin; minus strand). Cytogenetic location: 2q31.2.
Variant type: single nucleotide variant.
Coding change: c.74938G>T on transcript NM_001267550.2 (MANE Select); coding-DNA position 74938, G replaced by T.
Protein change: p.Glu24980Ter; replaces glutamic acid 24980 with a stop codon.
Molecular consequence: nonsense.
Genome position (GRCh38, 1-based): chr2:178,571,194, C>A on the plus strand (G>T on the coding strand, the complement: TTN is on the minus strand). VCF-style: chr2-178571194-C-A. GRCh37 (hg19) VCF-style: chr2-179435921-C-A.
Other names: c.70015G>T, p.Glu23339Ter (NM_001256850.1); c.47743G>T, p.Glu15915Ter (NM_003319.4); c.67234G>T, p.Glu22412Ter (NM_133378.4); c.48118G>T, p.Glu16040Ter (NM_133432.3); c.48319G>T, p.Glu16107Ter (NM_133437.4); short protein forms E16040*, E24980*, E23339*, E16107*, E15915*, E22412*.
Identifiers: ClinVar variation 4784419 (VCV004784419.1).

ClinVar aggregate classification (germline): Likely pathogenic (1 of 4 stars; one submission).

Conditions:
Dilated cardiomyopathy 1G (CMD1G). Identifiers: Orphanet 154, MedGen C1858763, MONDO:0011400, OMIM 604145.
Autosomal recessive limb-girdle muscular dystrophy type 2J (LGMDR10). Also called: Limb-girdle muscular dystrophy, type 2J; MUSCULAR DYSTROPHY, LIMB-GIRDLE, AUTOSOMAL RECESSIVE 10. Identifiers: Orphanet 140922, MedGen C1837342, MONDO:0012127, OMIM 608807.

Submission:

Labcorp Genetics (formerly Invitae), Labcorp
Classification: Likely pathogenic for Dilated cardiomyopathy 1G; Autosomal recessive limb-girdle muscular dystrophy type 2J. Last evaluated: 2025-03-12. Review status: criteria provided, single submitter. Criteria: Invitae Variant Classification Sherloc (09022015). Collection method: clinical testing. Allele origin: germline.
Comment: This sequence change creates a premature translational stop signal (p.Glu24980*) in the TTN gene. While this is not anticipated to result in nonsense mediated decay, it is expected to create a truncated TTN protein. This variant is not present in population databases (gnomAD no frequency). This variant has not been reported in the literature in individuals affected with TTN-related conditions. This variant is located in the A band of TTN (PMID: 25589632). Truncating variants in this region are significantly overrepresented in patients affected with dilated cardiomyopathy (PMID: 25589632). Truncating variants in this region have also been reported in individuals affected with autosomal recessive centronuclear myopathy (PMID: 23975875). In summary, the currently available evidence indicates that the variant is pathogenic, but additional data are needed to prove that conclusively. Therefore, this variant has been classified as Likely Pathogenic.

Literature cited by the submitters: PubMed 25589632; PubMed 23975875.